The following is an entry in ClinVar:

ClinVar aggregate classification (germline): Uncertain significance (1 of 4 stars; one submission).

Conditions:
Gingival disorder. Also called: Gingival disease. Identifiers: MedGen C0017563, MONDO:0002021.

Submission:

Labcorp Genetics (formerly Invitae), Labcorp
Classification: Uncertain significance for Gingival disorder. Last evaluated: 2018-12-23. Review status: criteria provided, single submitter. Criteria: Invitae Variant Classification Sherloc (09022015). Collection method: clinical testing. Allele origin: germline.
Comment: In summary, the available evidence is currently insufficient to determine the role of this variant in disease. Therefore, it has been classified as a Variant of Uncertain Significance. Algorithms developed to predict the effect of missense changes on protein structure and function output the following: SIFT: "Deleterious"; PolyPhen-2: "Benign"; Align-GVGD: "Class C45". The asparagine amino acid residue is found in multiple mammalian species, suggesting that this missense change does not adversely affect protein function. These predictions have not been confirmed by published functional studies and their clinical significance is uncertain. This variant has not been reported in the literature in individuals with FPR1-related conditions. This variant is not present in population databases (ExAC no frequency). This sequence change replaces serine with asparagine at codon 237 of the FPR1 protein (p.Ser237Asn). The serine residue is highly conserved and there is a small physicochemical difference between serine and asparagine.

NM_002029.4(FPR1):c.710G>A (p.Ser237Asn)

Gene: FPR1 (formyl peptide receptor 1; minus strand). Cytogenetic location: 19q13.41.
Variant type: single nucleotide variant.
Coding change: c.710G>A on transcript NM_002029.4 (MANE Select); coding-DNA position 710, G replaced by A.
Protein change: p.Ser237Asn; replaces serine 237 with asparagine.
Molecular consequence: missense variant.
Genome position (GRCh38, 1-based): chr19:51,746,285, C>T on the plus strand (G>A on the coding strand, the complement: FPR1 is on the minus strand). VCF-style: chr19-51746285-C-T. GRCh37 (hg19) VCF-style: chr19-52249538-C-T.
Other names: c.710G>A, p.Ser237Asn (NM_001193306.2); short protein forms S237N.
Identifiers: ClinVar variation 641997 (VCV000641997.10), dbSNP rs1302309228, ClinGen allele CA407117162.